The following is an entry in ClinVar:

ClinVar aggregate classification (germline): Uncertain significance (1 of 4 stars; one submission).

Submission:

Mayo Clinic Laboratories, Mayo Clinic
Classification: Uncertain significance. Last evaluated: 2022-03-10. Review status: criteria provided, single submitter. Criteria: ACMG Guidelines, 2015. Collection method: clinical testing. Allele origin: germline. Observed: 1 variant allele.
Comment: PM2

NM_015270.5(ADCY6):c.3178G>C (p.Ala1060Pro)

Genes: ADCY6 (adenylate cyclase 6; minus strand), SPMIP11 (sperm microtubule inner protein 11; plus strand). Cytogenetic location: 12q13.12.
Variant type: single nucleotide variant.
Coding change: c.3178G>C on transcript NM_015270.5 (MANE Select); coding-DNA position 3178, G replaced by C.
Protein change: p.Ala1060Pro; replaces alanine 1060 with proline.
Molecular consequence: missense variant. On other transcripts: non-coding transcript variant (1).
Genome position (GRCh38, 1-based): chr12:48,770,844, C>G on the plus strand (G>C on the coding strand, the complement: ADCY6 is on the minus strand). VCF-style: chr12-48770844-C-G. GRCh37 (hg19) VCF-style: chr12-49164627-C-G.
Other names: p.Ala1060Pro; c.3019G>C, p.Ala1007Pro (NM_001390830.1); c.3178G>C, p.Ala1060Pro (NM_001390831.2, NM_001412819.1, NM_001412820.1 and 2 more transcripts); short protein forms A1007P, A1060P.
Identifiers: ClinVar variation 2683196 (VCV002683196.1), dbSNP rs1470069908, ClinGen allele CA384565827.